The following is an entry in ClinVar:

ClinVar aggregate classification (germline): Benign/Likely benign. Review status: criteria provided, multiple submitters, no conflicts (2 of 4 stars). 3 submissions from 3 submitters: Benign (1); Likely benign (2). Last evaluated 2025-12-24.

Conditions:
Lung cancer. Also called: Malignant tumor of lung; Lung cancer, somatic. Identifiers: MedGen C0242379, MONDO:0008903, OMIM 211980.
Hereditary cancer-predisposing syndrome. Also called: Hereditary neoplastic syndrome; Hereditary Cancer Syndrome; Tumor predisposition; Neoplastic Syndromes, Hereditary. Identifiers: Orphanet 140162, MedGen C0027672, MeSH D009386, MONDO:0015356.
EGFR-related lung cancer (EGFR). Identifiers: MedGen CN130014.

Allele frequency attached by ClinVar (database versions not stated): gnomAD 0.00001; TOPMed 0.00001; ExAC 0.00002; gnomAD exomes 0.00002.
gnomAD v4.1: 13 of 1,614,132 alleles (0.00081%); highest among the groups gnomAD compares: East Asian, 0.022%; no homozygotes.

Submissions (3):

Labcorp Genetics (formerly Invitae), Labcorp
Classification: Likely benign for EGFR-related lung cancer. Last evaluated: 2025-12-24. Review status: criteria provided, single submitter. Criteria: Invitae Variant Classification Sherloc (09022015). Collection method: clinical testing. Allele origin: germline.

Myriad Genetics, Inc.
Classification: Benign for Lung cancer. Last evaluated: 2024-10-16. Review status: criteria provided, single submitter. Criteria: Myriad Autosomal Dominant, Autosomal Recessive and X-Linked Classification Criteria (2023). Collection method: clinical testing. Allele origin: unknown.
Comment: This variant is considered benign. This variant is a silent/synonymous amino acid change and it is not expected to impact splicing.

Ambry Genetics
Classification: Likely benign for Hereditary cancer-predisposing syndrome. Last evaluated: 2023-12-23. Review status: criteria provided, single submitter. Criteria: Ambry Variant Classification Scheme 2023. Collection method: clinical testing. Allele origin: germline.

NM_005228.5(EGFR):c.2364C>T (p.Leu788=)

Genes: EGFR-AS1 (EGFR antisense RNA 1; minus strand), EGFR (epidermal growth factor receptor; plus strand). Cytogenetic location: 7p11.2.
Variant type: single nucleotide variant.
Coding change: c.2364C>T on transcript NM_005228.5 (MANE Select); coding-DNA position 2364, C replaced by T.
Protein change: p.Leu788=; no amino-acid change (leucine 788 retained).
Molecular consequence: synonymous variant. On other transcripts: non-coding transcript variant (1).
Genome position (GRCh38, 1-based): chr7:55,181,373, C>T. VCF-style: chr7-55181373-C-T. GRCh37 (hg19) VCF-style: chr7-55249066-C-T.
Other names: c.2229C>T, p.Leu743= (NM_001346897.2, NM_001346899.2); c.2364C>T, p.Leu788= (NM_001346898.2); c.2205C>T, p.Leu735= (NM_001346900.2); c.1563C>T, p.Leu521= (NM_001346941.2); c.2364C>T (NM_005228.3).
Identifiers: ClinVar variation 1128684 (VCV001128684.9), dbSNP rs201469865, ClinGen allele CA4266060.